The following is an entry in ClinVar:

ClinVar aggregate classification (germline): Uncertain significance. Review status: criteria provided, multiple submitters, no conflicts (2 of 4 stars). 2 submissions from 2 submitters: Uncertain significance (2). Last evaluated 2026-08-23.

Conditions:
Tuberous sclerosis 1 (TSC1). Identifiers: Orphanet 805, MedGen C1854465, MONDO:0008612, OMIM 191100.
Hereditary cancer-predisposing syndrome. Also called: Hereditary Cancer Syndrome; Hereditary neoplastic syndrome; Neoplastic Syndromes, Hereditary; Tumor predisposition. Identifiers: Orphanet 140162, MedGen C0027672, MeSH D009386, MONDO:0015356.

Submissions (2):

Ambry Genetics
Classification: Uncertain significance for Hereditary cancer-predisposing syndrome. Last evaluated: 2026-08-23. Review status: criteria provided, single submitter. Criteria: Ambry Variant Classification Scheme 2023. Collection method: clinical testing. Allele origin: germline.
Comment: The p.S914Y variant (also known as c.2741C>A), located in coding exon 19 of the TSC1 gene, results from a C to A substitution at nucleotide position 2741. The serine at codon 914 is replaced by tyrosine, an amino acid with dissimilar properties. This amino acid position is conserved. In addition, the in silico prediction for this alteration is inconclusive. Based on the available evidence, the clinical significance of this variant remains unclear.

Labcorp Genetics (formerly Invitae), Labcorp
Classification: Uncertain significance for Tuberous sclerosis 1. Last evaluated: 2022-12-28. Review status: criteria provided, single submitter. Criteria: Invitae Variant Classification Sherloc (09022015). Collection method: clinical testing. Allele origin: germline.
Comment: This variant is not present in population databases (gnomAD no frequency). In summary, the available evidence is currently insufficient to determine the role of this variant in disease. Therefore, it has been classified as a Variant of Uncertain Significance. Advanced modeling of protein sequence and biophysical properties (such as structural, functional, and spatial information, amino acid conservation, physicochemical variation, residue mobility, and thermodynamic stability) performed at Invitae indicates that this missense variant is not expected to disrupt TSC1 protein function. This variant has not been reported in the literature in individuals affected with TSC1-related conditions. This sequence change replaces serine, which is neutral and polar, with tyrosine, which is neutral and polar, at codon 914 of the TSC1 protein (p.Ser914Tyr).

NM_000368.5(TSC1):c.2741C>A (p.Ser914Tyr)

Gene: TSC1 (TSC complex subunit 1; minus strand). Cytogenetic location: 9q34.13.
Variant type: single nucleotide variant.
Coding change: c.2741C>A on transcript NM_000368.5 (MANE Select); coding-DNA position 2741, C replaced by A.
Protein change: p.Ser914Tyr; replaces serine 914 with tyrosine.
Molecular consequence: missense variant. On other transcripts: non-coding transcript variant (5).
Genome position (GRCh38, 1-based): chr9:132,897,495, G>T on the plus strand (C>A on the coding strand, the complement: TSC1 is on the minus strand). VCF-style: chr9-132897495-G-T. GRCh37 (hg19) VCF-style: chr9-135772882-G-T.
Other names: c.2738C>A, p.Ser913Tyr (NM_001162426.2, NM_001406600.1, NM_001406597.1 and 2 more transcripts); c.2726C>A, p.Ser909Tyr (NM_001406601.1, NM_001406602.1); c.2723C>A, p.Ser908Tyr (NM_001406603.1, NM_001406604.1); c.2699C>A, p.Ser900Tyr (NM_001406605.1, NM_001406606.1, NM_001406607.1); c.2696C>A, p.Ser899Tyr (NM_001406608.1, NM_001406609.1); c.2378C>A, p.Ser793Tyr (NM_001406619.1, NM_001362177.2, NM_001406614.1 and 4 more transcripts); c.2375C>A, p.Ser792Tyr (NM_001406620.1, NM_001406621.1, NM_001406622.1 and 1 more transcripts); c.2336C>A, p.Ser779Tyr (NM_001406624.1); and 8 more; short protein forms S596Y, S863Y, S563Y, S778Y, S779Y, S792Y, S862Y, S908Y.
Identifiers: ClinVar variation 2824155 (VCV002824155.4), dbSNP rs2131633763, ClinGen allele CA375369270.